The following is an entry in ClinVar:

NM_001378414.1(HDAC4):c.339+1G>A

Gene: HDAC4 (histone deacetylase 4; minus strand). Cytogenetic location: 2q37.3.
Variant type: single nucleotide variant.
Coding change: c.339+1G>A on transcript NM_001378414.1 (MANE Select); the canonical splice donor site of the intron after coding-DNA position 339, G replaced by A.
Molecular consequence: splice donor variant.
Genome position (GRCh38, 1-based): chr2:239,189,832, C>T on the plus strand (G>A on the coding strand, the complement: HDAC4 is on the minus strand). VCF-style: chr2-239189832-C-T. GRCh37 (hg19) VCF-style: chr2-240111528-C-T.
Other names: c.339+1G>A (NM_001378417.1, NM_001378415.1, NM_001378416.1 and 1 more transcripts).
Identifiers: ClinVar variation 3340826 (VCV003340826.1).

ClinVar aggregate classification (germline): Pathogenic (1 of 4 stars; one submission).

Submission:

GeneDx
Classification: Pathogenic. Last evaluated: 2023-11-22. Review status: criteria provided, single submitter. Criteria: GeneDx Variant Classification Process June 2021. Collection method: clinical testing. Allele origin: germline. Affected: yes.
Comment: Canonical splice site variant predicted to result in a null allele in a gene for which loss of function is a known mechanism of disease; Not observed at significant frequency in large population cohorts (gnomAD); This variant is associated with the following publications: (PMID: 31502745)